The following is an entry in ClinVar:

ClinVar aggregate classification (germline): Pathogenic/Likely pathogenic. Review status: criteria provided, multiple submitters, no conflicts (2 of 4 stars). 5 submissions from 5 submitters: Pathogenic (2); Likely pathogenic (3). Last evaluated 2024-09-01.

Conditions:
X-linked Alport syndrome (ATS1). Also called: NEPHROPATHY AND DEAFNESS, X-LINKED; COL4A5-Related Nephropathy. Identifiers: Orphanet 63, Orphanet 88917, MedGen C4746986, MONDO:0010520, OMIM 301050.

Submissions (5):

CeGaT Center for Human Genetics Tuebingen
Classification: Pathogenic. Last evaluated: 2024-09-01. Review status: criteria provided, single submitter. Criteria: CeGaT Center For Human Genetics Tuebingen Variant Classification Criteria Version 2. Collection method: clinical testing. Allele origin: germline. Affected: yes. Observed: 2 variant alleles.
Comment: COL4A5: PM1:Strong, PM2, PM4, PS4:Moderate, PP4

Fulgent Genetics
Classification: Likely pathogenic for X-linked Alport syndrome. Last evaluated: 2024-06-05. Review status: criteria provided, single submitter. Criteria: ACMG Guidelines, 2015. Collection method: clinical testing. Allele origin: germline.

Labcorp Genetics (formerly Invitae), Labcorp
Classification: Pathogenic. Last evaluated: 2021-10-10. Review status: criteria provided, single submitter. Criteria: Invitae Variant Classification Sherloc (09022015). Collection method: clinical testing. Allele origin: germline.
Comment: This variant is not present in population databases (ExAC no frequency). This variant, c.2965_2982del, results in the deletion of 6 amino acid(s) of the COL4A5 protein (p.Asp989_Gly994del), but otherwise preserves the integrity of the reading frame. This variant has been observed in individuals with clinical features of Alport syndrome (PMID: 10094548; Invitae). This variant is also known as 3161-3178del del987-992. ClinVar contains an entry for this variant (Variation ID: 24580). For these reasons, this variant has been classified as Pathogenic. This variant disrupts the triple helix domain of COL4A5. Glycine residues within the Gly-Xaa-Yaa repeats of the triple helix domain are required for the structure and stability of fibrillar collagens (PMID: 7695699, 8218237, 19344236). In COL4A5, missense variants at these glycine residues are significantly enriched in individuals with disease (PMID: 23720012, 27627812) compared to the general population (ExAC).

Division Of Personalized Genomic Medicine, Columbia University Irving Medical Center
Classification: Likely pathogenic for X-linked Alport syndrome. Last evaluated: 2019-10-10. Review status: criteria provided, single submitter. Criteria: ACMG Guidelines, 2015. Collection method: clinical testing. Allele origin: unknown. Inheritance: X-linked inheritance. Affected: yes. Observed: 1 hemizygote.
Comment: The p.Asp989_Gly994del variant in the COL4A5 gene is a hemizygous in-frame deletion variant, which results in the removal of six amino acids in coding exon 34 of the COL4A5 gene (51 coding exons in total; NP_000486.1) and maps to the triple-helical region of the protein. This variant has not been observed in the Genome Aggregation Database (gnomAD), indicating it is not a common benign variant in the populations represented in this database. In ClinVar, this in-frame deletion overlaps with multiple Pathogenic/ Likely Pathogenic variants. Based on the evidence presented, this variant is classified as Likely Pathogenic.

Gharavi Laboratory, Columbia University
Classification: Likely pathogenic. Last evaluated: 2018-09-16. Review status: criteria provided, single submitter. Criteria: ACMG Guidelines, 2015. Collection method: research. Allele origin: germline. Affected: yes.

Literature cited by the submitters: PubMed 10094548 (cited by Labcorp Genetics (formerly Invitae), Labcorp and Division Of Personalized Genomic Medicine, Columbia University Irving Medical Center); PubMed 7695699 (cited by Labcorp Genetics (formerly Invitae), Labcorp); PubMed 8218237 (cited by Labcorp Genetics (formerly Invitae), Labcorp); PubMed 19344236 (cited by Labcorp Genetics (formerly Invitae), Labcorp); PubMed 23720012 (cited by Labcorp Genetics (formerly Invitae), Labcorp); PubMed 27627812 (cited by Labcorp Genetics (formerly Invitae), Labcorp).

NM_033380.3(COL4A5):c.2965_2982del (p.Asp989_Gly994del)

Gene: COL4A5 (collagen type IV alpha 5 chain; plus strand). Cytogenetic location: Xq22.3.
Variant type: Deletion.
Coding change: c.2965_2982del on transcript NM_033380.3 (MANE Select); coding-DNA positions 2965 to 2982, 18 bases deleted (GACCCAGGGCAACCTGGA).
Protein change: p.Asp989_Gly994del.
Molecular consequence: inframe deletion.
Genome position (GRCh38, 1-based): chrX:108,624,283-108,624,300, GACCCAGGGCAACCTGGA deleted; deleting any 18 consecutive bases within chrX:108,624,277-108,624,300 gives the same sequence; the c. name uses the placement nearest the transcript's 3' end. VCF-style (leftmost placement, unchanged base first): chrX-108624276-GCCTGGAGACCCAGGGCAA-G. GRCh37 (hg19) VCF-style: chrX-107867506-GCCTGGAGACCCAGGGCAA-G.
Other names: c.2965_2982del, p.Asp989_Gly994del (NM_000495.5).
Identifiers: ClinVar variation 24580 (VCV000024580.37), dbSNP rs104886374, ClinGen allele CA258783.